The following is an entry in ClinVar:

NC_000012.11:g.(?_57883659)_(57884447_?)del

Gene: MARS1 (methionyl-tRNA synthetase 1; plus strand). Cytogenetic location: 12q13.3.
Variant type: Deletion.
Identifiers: ClinVar variation 2425257 (VCV002425257.4).

ClinVar aggregate classification (germline): Uncertain significance (1 of 4 stars; one submission).

Conditions:
Severe early-onset pulmonary alveolar proteinosis due to MARS deficiency. Also called: PULMONARY ALVEOLAR PROTEINOSIS, REUNION ISLAND; Interstitial lung and liver disease. Identifiers: Orphanet 440427, MedGen C4225400, MONDO:0014206, OMIM 615486.
Charcot-Marie-Tooth disease axonal type 2U. Also called: CHARCOT-MARIE-TOOTH NEUROPATHY, TYPE 2U; CHARCOT-MARIE-TOOTH DISEASE, AXONAL, AUTOSOMAL DOMINANT, TYPE 2U. Identifiers: Orphanet 397735, MedGen C4084821, MONDO:0014566, OMIM 616280.

Submission:

Labcorp Genetics (formerly Invitae), Labcorp
Classification: Uncertain significance for Charcot-Marie-Tooth disease axonal type 2U; Severe early-onset pulmonary alveolar proteinosis due to MARS deficiency. Last evaluated: 2022-01-05. Review status: criteria provided, single submitter. Criteria: Invitae Variant Classification Sherloc (09022015). Collection method: clinical testing. Allele origin: germline.
Comment: In summary, the available evidence is currently insufficient to determine the role of this variant in disease. Therefore, it has been classified as a Variant of Uncertain Significance. Experimental studies and prediction algorithms are not available or were not evaluated, and the functional significance of this variant is currently unknown. This variant has not been reported in the literature in individuals affected with MARS-related conditions. This variant is a gross deletion of the genomic region encompassing exon(s) 5-7 of the MARS gene. This deletion is out-of-frame, and is expected to create a premature translational stop signal and result in an absent or disrupted protein product. However, the current clinical and genetic evidence is not sufficient to establish whether loss-of-function variants in MARS cause disease.